The following is an entry in ClinVar:

ClinVar aggregate classification (germline): Uncertain significance (1 of 4 stars; one submission).

Conditions:
Ataxia-telangiectasia syndrome (AT). Also called: Ataxia-telangiectasia, complementation group D; AT, COMPLEMENTATION GROUP C; Ataxia telangiectasia (A-T); Cerebello-oculocutaneous telangiectasia; Immunodeficiency with ataxia telangiectasia; Ataxia-telangiectasia. Identifiers: Orphanet 100, MedGen C0004135, MONDO:0008840, OMIM 208900.

Submission:

Labcorp Genetics (formerly Invitae), Labcorp
Classification: Uncertain significance for Ataxia-telangiectasia syndrome. Last evaluated: 2024-03-06. Review status: criteria provided, single submitter. Criteria: Invitae Variant Classification Sherloc (09022015). Collection method: clinical testing. Allele origin: germline.
Comment: This sequence change replaces leucine, which is neutral and non-polar, with valine, which is neutral and non-polar, at codon 1561 of the ATM protein (p.Leu1561Val). This variant is not present in population databases (gnomAD no frequency). This variant has not been reported in the literature in individuals affected with ATM-related conditions. ClinVar contains an entry for this variant (Variation ID: 845140). An algorithm developed to predict the effect of missense changes on protein structure and function (PolyPhen-2) suggests that this variant is likely to be tolerated. In summary, the available evidence is currently insufficient to determine the role of this variant in disease. Therefore, it has been classified as a Variant of Uncertain Significance.

NM_000051.4(ATM):c.4681C>G (p.Leu1561Val)

Gene: ATM (ATM serine/threonine kinase; plus strand). Cytogenetic location: 11q22.3.
Variant type: single nucleotide variant.
Coding change: c.4681C>G on transcript NM_000051.4 (MANE Select); coding-DNA position 4681, C replaced by G.
Protein change: p.Leu1561Val; replaces leucine 1561 with valine.
Molecular consequence: missense variant.
Genome position (GRCh38, 1-based): chr11:108,293,382, C>G. VCF-style: chr11-108293382-C-G. GRCh37 (hg19) VCF-style: chr11-108164109-C-G.
Other names: c.4681C>G, p.Leu1561Val (NM_001351834.2); short protein forms L1561V.
Identifiers: ClinVar variation 845140 (VCV000845140.11), dbSNP rs1591677342, ClinGen allele CA382534751.
Genomic context (GRCh38, chr11:108,293,382, plus strand): 5'-TTGTTGAAATACTTAGTGATAGATAACAAGGATAATGAAAACCTCTATATCACGATTAAG[C>G]TTTTAGATCCTTTTCCTGACCATGTTGTTTTTAAGGATTTGCGTATTACTCAGCAAAAAA-3'
Protein context (NP_000042.3, residues 1551-1571): DNENLYITIK[Leu1561Val]LDPFPDHVVF